The following is an entry in ClinVar:

NM_015978.3(TNNI3K):c.878C>G (p.Ser293Ter)

Genes: FPGT-TNNI3K (FPGT-TNNI3K readthrough; plus strand), TNNI3K (TNNI3 interacting kinase; plus strand). Cytogenetic location: 1p31.1.
Variant type: single nucleotide variant.
Coding change: c.878C>G on transcript NM_015978.3 (MANE Select); coding-DNA position 878, C replaced by G.
Protein change: p.Ser293Ter; replaces serine 293 with a stop codon.
Molecular consequence: nonsense.
Genome position (GRCh38, 1-based): chr1:74,343,125, C>G. VCF-style: chr1-74343125-C-G. GRCh37 (hg19) VCF-style: chr1-74808809-C-G.
Other names: c.1181C>G, p.Ser394Ter (NM_001112808.3, NM_001199327.2); short protein forms S293*, S394*.
Identifiers: ClinVar variation 1411484 (VCV001411484.9), dbSNP rs770585050, ClinGen allele CA909048.
Genomic context (GRCh38, chr1:74,343,125, plus strand): 5'-TCAAATCTAGGGCATGCTACAATGGCAAATTTGAAGTTGCCAAGGAAATCATCCAAATAT[C>G]AGGAACAGAAAGTCTGACTAAGGAAAACATCTTCAGTGAAACAGCTTTTCATAGGTAAAA-3'

ClinVar aggregate classification (germline): Uncertain significance. Review status: criteria provided, multiple submitters, no conflicts (2 of 4 stars). 2 submissions from 2 submitters: Uncertain significance (2). Last evaluated 2024-09-02.

Allele frequency attached by ClinVar (database versions not stated): gnomAD exomes below 0.00001; ExAC 0.00001; gnomAD 0.00001; TOPMed 0.00001.
gnomAD v4.1: 30 of 1,613,274 alleles (0.0019%); highest among the groups gnomAD compares: Non-Finnish European, 0.0025%; no homozygotes.

Submissions (2):

Labcorp Genetics (formerly Invitae), Labcorp
Classification: Uncertain significance. Last evaluated: 2024-09-02. Review status: criteria provided, single submitter. Criteria: Invitae Variant Classification Sherloc (09022015). Collection method: clinical testing. Allele origin: germline.
Comment: This sequence change creates a premature translational stop signal (p.Ser293*) in the TNNI3K gene. It is expected to result in an absent or disrupted protein product. However, the current clinical and genetic evidence is not sufficient to establish whether loss-of-function variants in TNNI3K cause disease. This variant is present in population databases (rs770585050, gnomAD 0.002%). This premature translational stop signal has been observed in individual(s) with clinical features of TNNI3K-related conditions (internal data). ClinVar contains an entry for this variant (Variation ID: 1411484). In summary, the available evidence is currently insufficient to determine the role of this variant in disease. Therefore, it has been classified as a Variant of Uncertain Significance.

Blueprint Genetics
Classification: Uncertain significance. Last evaluated: 2022-06-07. Review status: criteria provided, single submitter. Criteria: ACMG Guidelines, 2015. Collection method: clinical testing. Allele origin: germline.